The following is an entry in ClinVar:

ClinVar aggregate classification (germline): Uncertain significance (1 of 4 stars; one submission).

Conditions:
Neuroblastoma, susceptibility to, 3. Also called: ALK-Related Neuroblastic Tumor Susceptibility. Identifiers: Orphanet 635, MedGen C2751681, MONDO:0013083, OMIM 613014.

Submission:

Labcorp Genetics (formerly Invitae), Labcorp
Classification: Uncertain significance for Neuroblastoma, susceptibility to, 3. Last evaluated: 2025-12-16. Review status: criteria provided, single submitter. Criteria: Invitae Variant Classification Sherloc (09022015). Collection method: clinical testing. Allele origin: germline.
Comment: This sequence change creates a premature translational stop signal (p.Asp1391Metfs*2) in the ALK gene. While this is not anticipated to result in nonsense mediated decay, it is expected to disrupt the last 230 amino acid(s) of the ALK protein. This variant is not present in population databases (gnomAD no frequency). This variant has not been reported in the literature in individuals affected with ALK-related conditions. ClinVar contains an entry for this variant (Variation ID: 3606244). In summary, the available evidence is currently insufficient to determine the role of this variant in disease. Therefore, it has been classified as a Variant of Uncertain Significance.

NM_004304.5(ALK):c.4171del (p.Asp1391fs)

Gene: ALK (ALK receptor tyrosine kinase; minus strand). Cytogenetic location: 2p23.2.
Variant type: Deletion.
Coding change: c.4171del on transcript NM_004304.5 (MANE Select); coding-DNA position 4171, one base deleted (G; older notation c.4171delG).
Protein change: p.Asp1391fs; shifts the reading frame from aspartic acid 1391.
Molecular consequence: frameshift variant.
Genome position (GRCh38, 1-based): chr2:29,193,916, C deleted on the plus strand (G on the coding strand, the reverse complement: ALK is on the minus strand); the first of 2 consecutive C bases (chr2:29,193,916-29,193,917); deleting either gives the same sequence. VCF-style (leftmost placement, unchanged base first): chr2-29193915-TC-T. GRCh37 (hg19) VCF-style: chr2-29416781-TC-T.
Other names: c.967del, p.Asp323fs (NM_001353765.2); short protein forms D1391fs, D323fs.
Identifiers: ClinVar variation 3606244 (VCV003606244.2).